The following is an entry in ClinVar:

NM_058216.3(RAD51C):c.593A>G (p.Asp198Gly)

Gene: RAD51C (RAD51 paralog C; plus strand). Cytogenetic location: 17q22.
Variant type: single nucleotide variant.
Coding change: c.593A>G on transcript NM_058216.3 (MANE Select); coding-DNA position 593, A replaced by G.
Protein change: p.Asp198Gly; replaces aspartic acid 198 with glycine.
Molecular consequence: missense variant. On other transcripts: non-coding transcript variant (1).
Genome position (GRCh38, 1-based): chr17:58,703,217, A>G. VCF-style: chr17-58703217-A-G. GRCh37 (hg19) VCF-style: chr17-56780578-A-G.
Other names: short protein forms D198G.
Identifiers: ClinVar variation 1035377 (VCV001035377.10), dbSNP rs2048269455, ClinGen allele CA400349175.

ClinVar aggregate classification (germline): Uncertain significance (1 of 4 stars; one submission).

Conditions:
Fanconi anemia complementation group O. Also called: RAD51C-Related Fanconi Anemia. Identifiers: Orphanet 84, MedGen C3150653, MONDO:0013248, OMIM 613390.

Submission:

Labcorp Genetics (formerly Invitae), Labcorp
Classification: Uncertain significance for Fanconi anemia complementation group O. Last evaluated: 2023-02-09. Review status: criteria provided, single submitter. Criteria: Invitae Variant Classification Sherloc (09022015). Collection method: clinical testing. Allele origin: germline.
Comment: In summary, the available evidence is currently insufficient to determine the role of this variant in disease. Therefore, it has been classified as a Variant of Uncertain Significance. This sequence change replaces aspartic acid, which is acidic and polar, with glycine, which is neutral and non-polar, at codon 198 of the RAD51C protein (p.Asp198Gly). This variant is not present in population databases (gnomAD no frequency). This variant has not been reported in the literature in individuals affected with RAD51C-related conditions. ClinVar contains an entry for this variant (Variation ID: 1035377). Advanced modeling of protein sequence and biophysical properties (such as structural, functional, and spatial information, amino acid conservation, physicochemical variation, residue mobility, and thermodynamic stability) performed at Invitae indicates that this missense variant is not expected to disrupt RAD51C protein function.